The following is an entry in ClinVar:

NM_032043.3(BRIP1):c.3382G>A (p.Glu1128Lys)

Gene: BRIP1 (BRCA1 interacting DNA helicase 1; minus strand). Cytogenetic location: 17q23.2.
Variant type: single nucleotide variant.
Coding change: c.3382G>A on transcript NM_032043.3 (MANE Select); coding-DNA position 3382, G replaced by A.
Protein change: p.Glu1128Lys; replaces glutamic acid 1128 with lysine.
Molecular consequence: missense variant.
Genome position (GRCh38, 1-based): chr17:61,683,664, C>T on the plus strand (G>A on the coding strand, the complement: BRIP1 is on the minus strand). VCF-style: chr17-61683664-C-T. GRCh37 (hg19) VCF-style: chr17-59761025-C-T.
Other names: short protein forms E1128K.
Identifiers: ClinVar variation 661153 (VCV000661153.10), dbSNP rs45552539, ClinGen allele CA292267292.

ClinVar aggregate classification (germline): Uncertain significance. Review status: criteria provided, multiple submitters, no conflicts (2 of 4 stars). 2 submissions from 2 submitters: Uncertain significance (2). Last evaluated 2025-12-03.

Conditions:
Hereditary cancer-predisposing syndrome. Also called: Neoplastic Syndromes, Hereditary; Hereditary neoplastic syndrome; Tumor predisposition; Hereditary Cancer Syndrome. Identifiers: Orphanet 140162, MedGen C0027672, MeSH D009386, MONDO:0015356.
Familial cancer of breast. Also called: Hereditary breast cancer; BREAST CANCER, FAMILIAL; hereditary breast carcinoma. Identifiers: Orphanet 227535, MedGen C0346153, MONDO:0016419, OMIM 114480. Disease mechanism: loss of function.
Fanconi anemia complementation group J. Also called: BRIP1-Related Fanconi Anemia. Identifiers: Orphanet 84, MedGen C1836860, MONDO:0012187, OMIM 609054.

gnomAD v4.1: 2 of 1,613,314 alleles (0.00012%); highest among the groups gnomAD compares: Non-Finnish European, 0.00017%; no homozygotes.

Submissions (2):

Ambry Genetics
Classification: Uncertain significance for Hereditary cancer-predisposing syndrome. Last evaluated: 2025-12-03. Review status: criteria provided, single submitter. Criteria: Ambry Variant Classification Scheme 2023. Collection method: clinical testing. Allele origin: germline.
Comment: The p.E1128K variant (also known as c.3382G>A), located in coding exon 19 of the BRIP1 gene, results from a G to A substitution at nucleotide position 3382. The glutamic acid at codon 1128 is replaced by lysine, an amino acid with similar properties. This amino acid position is not well conserved in available vertebrate species. In addition, this alteration is predicted to be tolerated by in silico analysis. Based on the available evidence, the clinical significance of this variant remains unclear.

Labcorp Genetics (formerly Invitae), Labcorp
Classification: Uncertain significance for Familial cancer of breast; Fanconi anemia complementation group J. Last evaluated: 2025-10-07. Review status: criteria provided, single submitter. Criteria: Invitae Variant Classification Sherloc (09022015). Collection method: clinical testing. Allele origin: germline.
Comment: This sequence change replaces glutamic acid, which is acidic and polar, with lysine, which is basic and polar, at codon 1128 of the BRIP1 protein (p.Glu1128Lys). This variant is not present in population databases (gnomAD no frequency). This variant has not been reported in the literature in individuals affected with BRIP1-related conditions. ClinVar contains an entry for this variant (Variation ID: 661153). Invitae Evidence Modeling of protein sequence and biophysical properties (such as structural, functional, and spatial information, amino acid conservation, physicochemical variation, residue mobility, and thermodynamic stability) indicates that this missense variant is not expected to disrupt BRIP1 protein function with a negative predictive value of 95%. In summary, the available evidence is currently insufficient to determine the role of this variant in disease. Therefore, it has been classified as a Variant of Uncertain Significance.